The following is an entry in ClinVar:

NM_024675.4(PALB2):c.1745C>T (p.Ser582Phe)

Gene: PALB2 (partner and localizer of BRCA2; minus strand). Cytogenetic location: 16p12.2.
Variant type: single nucleotide variant.
Coding change: c.1745C>T on transcript NM_024675.4 (MANE Select); coding-DNA position 1745, C replaced by T.
Protein change: p.Ser582Phe; replaces serine 582 with phenylalanine.
Molecular consequence: missense variant.
Genome position (GRCh38, 1-based): chr16:23,630,409, G>A on the plus strand (C>T on the coding strand, the complement: PALB2 is on the minus strand). VCF-style: chr16-23630409-G-A. GRCh37 (hg19) VCF-style: chr16-23641730-G-A.
Other names: c.1745C>T (NM_024675.3); short protein forms S582F.
Identifiers: ClinVar variation 1045653 (VCV001045653.4), dbSNP rs865777690, ClinGen allele CA279493666.

ClinVar aggregate classification (germline): Conflicting classifications of pathogenicity. Review status: criteria provided, conflicting classifications (1 of 4 stars). 2 submissions from 2 submitters: Uncertain significance (1); Likely benign (1). Last evaluated 2024-04-23.

Conditions:
Hereditary cancer-predisposing syndrome. Also called: Hereditary Cancer Syndrome; Tumor predisposition; Hereditary neoplastic syndrome; Neoplastic Syndromes, Hereditary. Identifiers: Orphanet 140162, MedGen C0027672, MeSH D009386, MONDO:0015356.
Familial cancer of breast. Also called: Hereditary breast cancer; hereditary breast carcinoma; BREAST CANCER, FAMILIAL. Identifiers: Orphanet 227535, MedGen C0346153, MONDO:0016419, OMIM 114480. Disease mechanism: loss of function.

Submissions (2):

Ambry Genetics
Classification: Likely benign for Hereditary cancer-predisposing syndrome. Last evaluated: 2024-04-23. Review status: criteria provided, single submitter. Criteria: Ambry Variant Classification Scheme 2023. Collection method: clinical testing. Allele origin: germline.

Labcorp Genetics (formerly Invitae), Labcorp
Classification: Uncertain significance for Familial cancer of breast. Last evaluated: 2021-08-27. Review status: criteria provided, single submitter. Criteria: Invitae Variant Classification Sherloc (09022015). Collection method: clinical testing. Allele origin: germline.
Comment: This sequence change replaces serine with phenylalanine at codon 582 of the PALB2 protein (p.Ser582Phe). The serine residue is weakly conserved and there is a large physicochemical difference between serine and phenylalanine. This variant is not present in population databases (ExAC no frequency). This variant has not been reported in the literature in individuals affected with PALB2-related conditions. Algorithms developed to predict the effect of missense changes on protein structure and function are either unavailable or do not agree on the potential impact of this missense change (SIFT: "Tolerated"; PolyPhen-2: "Possibly Damaging"; Align-GVGD: "Class C0"). In summary, the available evidence is currently insufficient to determine the role of this variant in disease. Therefore, it has been classified as a Variant of Uncertain Significance.